The following is an entry in ClinVar:

ClinVar aggregate classification (germline): Pathogenic (1 of 4 stars; one submission).

Conditions:
Deficiency of adenosine deaminase 2. Also called: Polyarteritis nodosa, childhoood-onset; Adenosine Deaminase 2 Deficiency; VASCULITIS, AUTOINFLAMMATION, IMMUNODEFICIENCY, AND HEMATOLOGIC DEFECTS SYNDROME. Identifiers: Orphanet 404553, MedGen C3887654, MONDO:0014306, OMIM 615688, MONDO:0100317.

Submission:

Labcorp Genetics (formerly Invitae), Labcorp
Classification: Pathogenic for Deficiency of adenosine deaminase 2. Last evaluated: 2023-12-20. Review status: criteria provided, single submitter. Criteria: Invitae Variant Classification Sherloc (09022015). Collection method: clinical testing. Allele origin: germline.
Comment: This variant is a gross deletion of the genomic region encompassing exon(s) 2-4 of the ADA2 gene, which includes the initiator codon. This deletion extends beyond the assayed region for this gene and therefore may encompass additional genes. It is expected to result in an absent or disrupted protein product. Loss-of-function variants in ADA2 are known to be pathogenic (PMID: 24552284, 24552285). This variant has not been reported in the literature in individuals affected with ADA2-related conditions. For these reasons, this variant has been classified as Pathogenic.

Literature cited by the submitters: PubMed 24552284; PubMed 24552285.

NC_000022.10:g.(?_17684433)_(17690567_?)del

Gene: ADA2 (adenosine deaminase 2; minus strand). Cytogenetic location: 22q11.1.
Variant type: Deletion.
Identifiers: ClinVar variation 1353104 (VCV001353104.6).